The following is an entry in ClinVar:

NM_001370466.1(NOD2):c.-8-2213A>T

Gene: NOD2 (nucleotide binding oligomerization domain containing 2; plus strand). Cytogenetic location: 16q12.1.
Variant type: single nucleotide variant.
Coding change: c.-8-2213A>T on transcript NM_001370466.1 (MANE Select); 2213 bases into the intron before 8 bases upstream of the start codon, A replaced by T.
Molecular consequence: intron variant. On other transcripts: missense variant (1).
Genome position (GRCh38, 1-based): chr16:50,697,275, A>T. VCF-style: chr16-50697275-A-T. GRCh37 (hg19) VCF-style: chr16-50731186-A-T.
Other names: c.32A>T, p.Asp11Val (NM_022162.3); short protein forms D11V.
Identifiers: ClinVar variation 2927161 (VCV002927161.2), dbSNP rs754538287, ClinGen allele CA8051168.

ClinVar aggregate classification (germline): Uncertain significance (1 of 4 stars; one submission).

Conditions:
Blau syndrome (BLAUS). Also called: GRANULOMATOSIS, FAMILIAL JUVENILE SYSTEMIC; GRANULOMATOSIS, FAMILIAL, BLAU TYPE; GRANULOMATOUS INFLAMMATORY ARTHRITIS, DERMATITIS, AND UVEITIS, FAMILIAL; JABS SYNDROME; ARTHROCUTANEOUVEAL GRANULOMATOSIS. Identifiers: Orphanet 90340, MedGen C5201146, MONDO:0008523, OMIM 186580.
Regional enteritis. Also called: Enteritis, Granulomatous. Identifiers: MedGen C0678202, MeSH D003424.

Allele frequency attached by ClinVar (database versions not stated): gnomAD exomes below 0.00001; TOPMed below 0.00001; ExAC 0.00004.

Submission:

Labcorp Genetics (formerly Invitae), Labcorp
Classification: Uncertain significance for Regional enteritis; Blau syndrome. Last evaluated: 2024-02-02. Review status: criteria provided, single submitter. Criteria: Invitae Variant Classification Sherloc (09022015). Collection method: clinical testing. Allele origin: germline.
Comment: This sequence change replaces aspartic acid, which is acidic and polar, with valine, which is neutral and non-polar, at codon 11 of the NOD2 protein (p.Asp11Val). The frequency data for this variant in the population databases is considered unreliable, as metrics indicate poor data quality at this position in the gnomAD database. This variant has not been reported in the literature in individuals affected with NOD2-related conditions. Advanced modeling of protein sequence and biophysical properties (such as structural, functional, and spatial information, amino acid conservation, physicochemical variation, residue mobility, and thermodynamic stability) performed at Invitae indicates that this missense variant is not expected to disrupt NOD2 protein function with a negative predictive value of 95%. In summary, the available evidence is currently insufficient to determine the role of this variant in disease. Therefore, it has been classified as a Variant of Uncertain Significance.